The following is an entry in ClinVar:

ClinVar aggregate classification (germline): Conflicting classifications of pathogenicity. Review status: criteria provided, conflicting classifications (1 of 4 stars). 4 submissions from 4 submitters: Likely pathogenic (3); Uncertain significance (1). Last evaluated 2025-11-24.

Conditions:
Mitochondrial disease. Also called: Mitochondrial disorders; Mitochondrial disorder. Identifiers: Orphanet 68380, MedGen C0751651, MeSH D028361, MONDO:0044970.
Abnormality of the musculature. Identifiers: MedGen C4021745, HP:0003011.
Mitochondrial DNA depletion syndrome. Also called: mitochondrial DNA depletion. Identifiers: Orphanet 35698, MedGen C0342782, MONDO:0018158.

Allele frequency attached by ClinVar (database versions not stated): gnomAD exomes 0.00001; ExAC 0.00002.
gnomAD v4.1: 15 of 1,614,150 alleles (0.00093%); highest among the groups gnomAD compares: East Asian, 0.0022%; no homozygotes.

Submissions (4):

Genomenon, Inc
Classification: Likely pathogenic for Mitochondrial disease. Last evaluated: 2025-11-24. Review status: criteria provided, single submitter. Criteria: Genomenon Sequence Variant Interpretation Standards - Updated. Collection method: curation. Allele origin: germline. Affected: yes.
Comment: TK2 p.Arg104His (c.311G>A) is a missense variant that changes the amino acid at residue 104 from Arginine to Histidine. This variant has been observed in multiple probands affected with mitochondrial disease in the homozygous and compound heterozygous state, with a pathogenic or likely pathogenic variant confirmed in trans in at least one proband (29602790, 38374194, 40098049). This variant is not present at a significant frequency in gnomAD. In conclusion, we classify TK2 p.Arg104His (c.311G>A) as a likely pathogenic variant.

Women's Health and Genetics/Laboratory Corporation of America, LabCorp
Classification: Likely pathogenic for Mitochondrial DNA depletion syndrome. Last evaluated: 2025-06-02. Review status: criteria provided, single submitter. Criteria: LabCorp Variant Classification Summary - May 2015. Collection method: clinical testing. Allele origin: germline.
Comment: Variant summary: TK2 c.311G>A (p.Arg104His) results in a non-conservative amino acid change in the encoded protein sequence. Algorithms developed to predict the effect of missense changes on protein structure and function are either unavailable or do not agree on the potential impact of this missense change. The variant allele was found at a frequency of 8e-06 in 250982 control chromosomes (gnomAD). c.311G>A has been observed in individuals affected with features of Mitochondrial DNA Depletion Syndrome - TK2 Related (Garone_2018, Abolhassani_2024). These data indicate that the variant may be associated with disease. A different variant affecting the same codon has been classified as likely pathogenic/pathogenic by our lab (c.310C>T, p.Arg104Cys), supporting the critical relevance of codon 104 to TK2 protein function. To our knowledge, no experimental evidence demonstrating an impact on protein function has been reported. The following publications have been ascertained in the context of this evaluation (PMID: 29602790, 38374194). ClinVar contains an entry for this variant (Variation ID: 1180625). Based on the evidence outlined above, the variant was classified as likely pathogenic.

Labcorp Genetics (formerly Invitae), Labcorp
Classification: Uncertain significance. Last evaluated: 2022-01-04. Review status: criteria provided, single submitter. Criteria: Invitae Variant Classification Sherloc (09022015). Collection method: clinical testing. Allele origin: germline.
Comment: This sequence change replaces arginine, which is basic and polar, with histidine, which is basic and polar, at codon 104 of the TK2 protein (p.Arg104His). This variant is present in population databases (rs770318536, gnomAD 0.002%). This missense change has been observed in individual(s) with clinical features of TK2-related conditions (PMID: 29602790). Algorithms developed to predict the effect of missense changes on protein structure and function are either unavailable or do not agree on the potential impact of this missense change (SIFT: "Deleterious"; PolyPhen-2: "Probably Damaging"; Align-GVGD: "Class C0"). This variant disrupts the p.Arg104 amino acid residue in TK2. Other variant(s) that disrupt this residue have been observed in individuals with TK2-related conditions (Invitae), which suggests that this may be a clinically significant amino acid residue. In summary, the available evidence is currently insufficient to determine the role of this variant in disease. Therefore, it has been classified as a Variant of Uncertain Significance.

Kariminejad - Najmabadi Pathology & Genetics Center
Classification: Likely pathogenic for Abnormality of the musculature. Last evaluated: 2021-07-10. Review status: criteria provided, single submitter. Criteria: ACMG Guidelines, 2015. Collection method: clinical testing. Allele origin: germline. Affected: yes.

Literature cited by the submitters: PubMed 29602790 (cited by 3 submitters); PubMed 38374194 (cited by Genomenon, Inc and Women's Health and Genetics/Laboratory Corporation of America, LabCorp); PubMed 40098049 (cited by Genomenon, Inc).

NM_004614.5(TK2):c.311G>A (p.Arg104His)

Gene: TK2 (thymidine kinase 2; minus strand). Cytogenetic location: 16q21.
Variant type: single nucleotide variant.
Coding change: c.311G>A on transcript NM_004614.5 (MANE Select); coding-DNA position 311, G replaced by A.
Protein change: p.Arg104His; replaces arginine 104 with histidine.
Molecular consequence: missense variant. On other transcripts: non-coding transcript variant (1).
Genome position (GRCh38, 1-based): chr16:66,531,444, C>T on the plus strand (G>A on the coding strand, the complement: TK2 is on the minus strand). VCF-style: chr16-66531444-C-T. GRCh37 (hg19) VCF-style: chr16-66565347-C-T.
Other names: c.218G>A, p.Arg73His (NM_001172643.1, NM_001271935.1); c.236G>A, p.Arg79His (NM_001172644.2); c.257G>A, p.Arg86His (NM_001172645.2); c.164G>A, p.Arg55His (NM_001271934.2); c.20G>A, p.Arg7His (NM_001272050.2); c.311G>A (NM_004614.4); short protein forms R104H, R55H, R73H, R79H, R7H, R86H.
Identifiers: ClinVar variation 1180625 (VCV001180625.7), dbSNP rs770318536, ClinGen allele CA8093712.